The following is an entry in ClinVar:

NM_001292063.2(OTOG):c.4089G>A (p.Ala1363=)

Gene: OTOG (otogelin; plus strand). Cytogenetic location: 11p15.1.
Variant type: single nucleotide variant.
Coding change: c.4089G>A on transcript NM_001292063.2 (MANE Select); coding-DNA position 4089, G replaced by A.
Protein change: p.Ala1363=; no amino-acid change (alanine 1363 retained).
Molecular consequence: synonymous variant.
Genome position (GRCh38, 1-based): chr11:17,606,068, G>A. VCF-style: chr11-17606068-G-A. GRCh37 (hg19) VCF-style: chr11-17627615-G-A.
Other names: c.4125G>A, p.Ala1375= (NM_001277269.2).
Identifiers: ClinVar variation 3031894 (VCV003031894.2), dbSNP rs1373740901, ClinGen allele CA473517111.
Genomic context (GRCh38, chr11:17,606,068, plus strand): 5'-AGGCCTGGTGGCCCTGGAGTCCCTGGCCAAGCCCAGCTCCTTCCTCTATGTGTCGGGCGC[G>A]GTGCTGGCCCTGCGGCTGTACGAACACACAGAGGTGTTCCGCCGGGGCACACTCTTCCGC-3'
Protein context (NP_001278992.1, residues 1353-1373): KPSSFLYVSG[Ala1363=]VLALRLYEHT

ClinVar aggregate classification (germline): Likely benign (0 of 4 stars; one submission).

Conditions:
OTOG-related disorder. Also called: OTOG-related condition.

Allele frequency attached by ClinVar (database versions not stated): gnomAD 0.00001; gnomAD exomes 0.00002; TOPMed 0.00004.
gnomAD v4.1: 25 of 1,550,114 alleles (0.0016%); highest among the groups gnomAD compares: African/African-American, 0.0068%; no homozygotes.

Submission:

PreventionGenetics, part of Exact Sciences
Classification: Likely benign for OTOG-related condition. Last evaluated: 2020-08-10. Review status: no assertion criteria provided. Collection method: clinical testing. Allele origin: germline.
Comment: This variant is classified as likely benign based on ACMG/AMP sequence variant interpretation guidelines (Richards et al. 2015 PMID: 25741868, with internal and published modifications).